The following is an entry in ClinVar:

NM_172245.4(CSF2RA):c.565C>T (p.Arg189Cys)

Gene: CSF2RA (colony stimulating factor 2 receptor subunit alpha; plus strand). Cytogenetic location: Xp22.33.
Variant type: single nucleotide variant.
Coding change: c.565C>T on transcript NM_172245.4 (MANE Select); coding-DNA position 565, C replaced by T.
Protein change: p.Arg189Cys; replaces arginine 189 with cysteine.
Molecular consequence: missense variant. On other transcripts: non-coding transcript variant (1).
Genome position (GRCh38, 1-based): chrX:1,290,428, C>T. VCF-style: chrX-1290428-C-T. GRCh37 (hg19) VCF-style: chrX-1409321-C-T.
Other names: c.565C>T, p.Arg189Cys (NM_001161529.2, NM_001161530.2, NM_001161531.2 and 20 more transcripts); c.166C>T, p.Arg56Cys (NM_001161532.2); short protein forms R56C, R189C.
Identifiers: ClinVar variation 657444 (VCV000657444.4), dbSNP rs141694686, ClinGen allele CA10330867.

ClinVar aggregate classification (germline): Uncertain significance (1 of 4 stars; one submission).

Conditions:
Surfactant metabolism dysfunction, pulmonary, 4 (SMDP4). Also called: PULMONARY ALVEOLAR PROTEINOSIS, CONGENITAL, 4; CSF2RA DEFICIENCY; PAP DUE TO CSF2RA DEFICIENCY. Identifiers: Orphanet 264675, MedGen C2677877, MONDO:0010424, OMIM 300770.

Allele frequency attached by ClinVar (database versions not stated): gnomAD exomes 0.00007 and 0.00010; ESP Exome Variant Server 0.00008; gnomAD 0.00006; ExAC 0.00015; TOPMed 0.00004.
gnomAD v4.1: 112 of 1,613,668 alleles (0.0069%); highest among the groups gnomAD compares: South Asian, 0.037%; no homozygotes.

Submission:

Labcorp Genetics (formerly Invitae), Labcorp
Classification: Uncertain significance for Surfactant metabolism dysfunction, pulmonary, 4. Last evaluated: 2022-09-27. Review status: criteria provided, single submitter. Criteria: Invitae Variant Classification Sherloc (09022015). Collection method: clinical testing. Allele origin: germline.
Comment: This sequence change replaces arginine, which is basic and polar, with cysteine, which is neutral and slightly polar, at codon 189 of the CSF2RA protein (p.Arg189Cys). This variant is present in population databases (no rsID available, gnomAD 0.04%). This variant has not been reported in the literature in individuals affected with CSF2RA-related conditions. ClinVar contains an entry for this variant (Variation ID: 657444). Advanced modeling of protein sequence and biophysical properties (such as structural, functional, and spatial information, amino acid conservation, physicochemical variation, residue mobility, and thermodynamic stability) performed at Invitae indicates that this missense variant is not expected to disrupt CSF2RA protein function. In summary, the available evidence is currently insufficient to determine the role of this variant in disease. Therefore, it has been classified as a Variant of Uncertain Significance.